The following is an entry in ClinVar:

ClinVar aggregate classification (germline): Uncertain significance. Review status: criteria provided, multiple submitters, no conflicts (2 of 4 stars). 2 submissions from 2 submitters: Uncertain significance (2). Last evaluated 2024-05-18.

Conditions:
Malignant hyperthermia, susceptibility to, 5 (MHS5). Also called: CACNA1S-Related Malignant Hyperthermia Susceptibility. Identifiers: Orphanet 423, MedGen C1866077, MONDO:0011163, OMIM 601887.
Hypokalemic periodic paralysis, type 1. Also called: HypoPP; Hypokalemic Periodic Paralysis Type 1 (AD). Identifiers: Orphanet 681, MedGen C3714580, MONDO:0042979, OMIM 170400.
Congenital myopathy 18. Also called: Myopathy, congenital, due to dihydropyridine receptor defect; DIHYDROPYRIDINE RECEPTOR CONGENITAL MYOPATHY; DHPR CONGENITAL MYOPATHY. Identifiers: MedGen C5830283, MONDO:0859514, OMIM 620246.
Thyrotoxic periodic paralysis, susceptibility to, 1 (TTPP1). Identifiers: Orphanet 79102, MedGen C2749982, MONDO:0008570, OMIM 188580.

gnomAD v4.1: 5 of 1,613,522 alleles (0.00031%); highest among the groups gnomAD compares: African/African-American, 0.0053%; no homozygotes.

Submissions (2):

Fulgent Genetics
Classification: Uncertain significance for Hypokalemic periodic paralysis, type 1; Thyrotoxic periodic paralysis, susceptibility to, 1; Malignant hyperthermia, susceptibility to, 5; Congenital myopathy 18. Last evaluated: 2024-05-18. Review status: criteria provided, single submitter. Criteria: ACMG Guidelines, 2015. Collection method: clinical testing. Allele origin: germline.

All of Us Research Program, National Institutes of Health
Classification: Uncertain significance for Malignant hyperthermia, susceptibility to, 5. Last evaluated: 2023-08-15. Review status: criteria provided, single submitter. Criteria: ACMG Guidelines, 2015. Collection method: clinical testing. Allele origin: germline. Inheritance: Autosomal dominant inheritance. Observed: 1 variant allele, 1 heterozygote.
Comment: This variant causes a C to G nucleotide substitution at the -5 position of intron 29 of the CACNA1S gene. To our knowledge, functional studies have not been reported for this variant. This variant has not been reported in individuals affected with CACNA1S-related disorders in the literature. This variant has been identified in 1/249148 chromosomes in the general population by the Genome Aggregation Database (gnomAD). The available evidence is insufficient to determine the role of this variant in disease conclusively. Therefore, this variant is classified as a Variant of Uncertain Significance.

This study involves interpretation of variants in research participants for the purpose of population health screening. Participant phenotype was not available at the time of variant classification. Additional details can be found in publication PMID: 35346344, PMCID: PMC8962531

NM_000069.3(CACNA1S):c.3667-5C>G

Gene: CACNA1S (calcium voltage-gated channel subunit alpha1 S; minus strand). Cytogenetic location: 1q32.1.
Variant type: single nucleotide variant.
Coding change: c.3667-5C>G on transcript NM_000069.3 (MANE Select); 5 bases into the intron before coding-DNA position 3667, C replaced by G.
Molecular consequence: intron variant.
Genome position (GRCh38, 1-based): chr1:201,053,592, G>C on the plus strand (C>G on the coding strand, the complement: CACNA1S is on the minus strand). VCF-style: chr1-201053592-G-C. GRCh37 (hg19) VCF-style: chr1-201022720-G-C.
Identifiers: ClinVar variation 3072944 (VCV003072944.2), dbSNP rs368885124, ClinGen allele CA528536573.